The following is an entry in ClinVar:

ClinVar aggregate classification (germline): Uncertain significance (1 of 4 stars; one submission).

gnomAD v4.1: 5 of 1,613,542 alleles (0.00031%); highest among the groups gnomAD compares: Non-Finnish European, 0.00025%; no homozygotes.

Submission:

Labcorp Genetics (formerly Invitae), Labcorp
Classification: Uncertain significance. Last evaluated: 2023-12-11. Review status: criteria provided, single submitter. Criteria: Invitae Variant Classification Sherloc (09022015). Collection method: clinical testing. Allele origin: germline.
Comment: This sequence change replaces glycine, which is neutral and non-polar, with valine, which is neutral and non-polar, at codon 4312 of the ADGRV1 protein (p.Gly4312Val). This variant is present in population databases (rs771225820, gnomAD 0.0009%). This variant has not been reported in the literature in individuals affected with ADGRV1-related conditions. ClinVar contains an entry for this variant (Variation ID: 956237). Advanced modeling of protein sequence and biophysical properties (such as structural, functional, and spatial information, amino acid conservation, physicochemical variation, residue mobility, and thermodynamic stability) performed at Invitae indicates that this missense variant is not expected to disrupt ADGRV1 protein function with a negative predictive value of 80%. In summary, the available evidence is currently insufficient to determine the role of this variant in disease. Therefore, it has been classified as a Variant of Uncertain Significance.

NM_032119.4(ADGRV1):c.12935G>T (p.Gly4312Val)

Gene: ADGRV1 (adhesion G protein-coupled receptor V1; plus strand). Cytogenetic location: 5q14.3.
Variant type: single nucleotide variant.
Coding change: c.12935G>T on transcript NM_032119.4 (MANE Select); coding-DNA position 12935, G replaced by T.
Protein change: p.Gly4312Val; replaces glycine 4312 with valine.
Molecular consequence: missense variant. On other transcripts: non-coding transcript variant (1).
Genome position (GRCh38, 1-based): chr5:90,778,950, G>T. VCF-style: chr5-90778950-G-T. GRCh37 (hg19) VCF-style: chr5-90074767-G-T.
Other names: short protein forms G4312V.
Identifiers: ClinVar variation 956237 (VCV000956237.8), dbSNP rs771225820, ClinGen allele CA3341384.
Genomic context (GRCh38, chr5:90,778,950, plus strand): 5'-GTGGAGATTTTGGCCATGTGCGACTCTGGTACAAGACGATGAGCGGGACAGCGGAAGCAG[G>T]CTTGGATTTTGTTCCTGCAGCAGGGGAGCTCCTCTTTGAAGCAGGGGAGATGAGGAAAAG-3'
Protein context (NP_115495.3, residues 4302-4322): YKTMSGTAEA[Gly4312Val]LDFVPAAGEL